The following is an entry in ClinVar:

ClinVar aggregate classification (germline): Uncertain significance (1 of 4 stars; one submission).

Allele frequency attached by ClinVar (database versions not stated): gnomAD exomes 0.00001; ExAC 0.00005.

Submission:

Labcorp Genetics (formerly Invitae), Labcorp
Classification: Uncertain significance. Last evaluated: 2025-10-27. Review status: criteria provided, single submitter. Criteria: Invitae Variant Classification Sherloc (09022015). Collection method: clinical testing. Allele origin: germline.
Comment: This sequence change replaces methionine, which is neutral and non-polar, with valine, which is neutral and non-polar, at codon 106 of the GINS1 protein (p.Met106Val). This variant is present in population databases (rs781511029, gnomAD 0.02%). This variant has not been reported in the literature in individuals affected with GINS1-related conditions. ClinVar contains an entry for this variant (Variation ID: 1917387). An algorithm developed to predict the effect of missense changes on protein structure and function (PolyPhen-2) suggests that this variant is likely to be tolerated. In summary, the available evidence is currently insufficient to determine the role of this variant in disease. Therefore, it has been classified as a Variant of Uncertain Significance.

NM_021067.5(GINS1):c.316A>G (p.Met106Val)

Gene: GINS1 (GINS complex subunit 1; plus strand). Cytogenetic location: 20p11.21.
Variant type: single nucleotide variant.
Coding change: c.316A>G on transcript NM_021067.5 (MANE Select); coding-DNA position 316, A replaced by G.
Protein change: p.Met106Val; replaces methionine 106 with valine.
Molecular consequence: missense variant. On other transcripts: non-coding transcript variant (1).
Genome position (GRCh38, 1-based): chr20:25,418,181, A>G. VCF-style: chr20-25418181-A-G. GRCh37 (hg19) VCF-style: chr20-25398817-A-G.
Other names: c.316A>G, p.Met106Val (NM_001410830.1); short protein forms M106V.
Identifiers: ClinVar variation 1917387 (VCV001917387.5), dbSNP rs781511029, ClinGen allele CA9796510.
Genomic context (GRCh38, chr20:25,418,181, plus strand): 5'-CGGATCAGAGCACTCAGATGGGAATATGGTAGCGTCTTGCCAAATGCATTACGATTTCAC[A>G]TGGCTGCTGAAGAAGTGAGTTAGCATTGTTCAAGTTTATAAATTTTGAAAATGCTAAAGT-3'
Protein context (NP_066545.3, residues 96-116): SVLPNALRFH[Met106Val]AAEEMEWFNN